The following is an entry in ClinVar:

NC_000013.11:g.48303690G>C

Genes: RB1 (RB transcriptional corepressor 1; plus strand), RB1-DT (RB1 divergent transcript; minus strand). Cytogenetic location: 13q14.2.
Variant type: single nucleotide variant.
Molecular consequence: non-coding transcript variant (on NR_046414.2).
Genome position: GRCh38 VCF-style: chr13-48303690-G-C. GRCh37 (hg19) VCF-style: chr13-48877826-G-C.
Identifiers: ClinVar variation 2884698 (VCV002884698.3), dbSNP rs1176770053, ClinGen allele CA698656229.
Genomic context (GRCh38, chr13:48,303,690, plus strand): 5'-CGTCCCAGCCCGCGCACCGACCAGCGCCCCAGTTCCCCACAGACGCCGGCGGGCCCGGGA[G>C]CCTCGCGGACGTGACGCCGCGGGCGGAAGTGACGTTTTCCCGCGGTTGGACGCGGCGCTC-3'

ClinVar aggregate classification (germline): Uncertain significance (1 of 4 stars; one submission).

Conditions:
Retinoblastoma (RB1). Also called: RETINOBLASTOMA, SOMATIC. Identifiers: Orphanet 790, MedGen C0035335, MeSH D012175, MONDO:0008380, OMIM 180200, HP:0009919. Disease mechanism: loss of function. Inheritance: Both sporadic and heritable forms are tested..

Allele frequency attached by ClinVar (database versions not stated): TOPMed 0.00002; gnomAD exomes 0.00001.

Submission:

Labcorp Genetics (formerly Invitae), Labcorp
Classification: Uncertain significance for Retinoblastoma. Last evaluated: 2025-12-24. Review status: criteria provided, single submitter. Criteria: Invitae Variant Classification Sherloc (09022015). Collection method: clinical testing. Allele origin: germline.
Comment: This variant occurs in a non-coding region of the RB1 gene. It does not change the encoded amino acid sequence of the RB1 protein. This variant is not present in population databases (gnomAD no frequency). This variant has not been reported in the literature in individuals affected with RB1-related conditions. Experimental studies and prediction algorithms are not available or were not evaluated, and the functional significance of this variant is currently unknown. In summary, the available evidence is currently insufficient to determine the role of this variant in disease. Therefore, it has been classified as a Variant of Uncertain Significance.